The following is an entry in ClinVar:

ClinVar aggregate classification (germline): Uncertain significance (1 of 4 stars; one submission).

Submission:

Dasa
Classification: Uncertain significance. Last evaluated: 2025-10-08. Review status: criteria provided, single submitter. Criteria: DASA Assertion Criteria. Collection method: clinical testing. Allele origin: germline.
Comment: NM_000142.5(FGFR3):c.2275-3_2275-1del is a splice-region variant. This variant is absent from population databases. The currently available literature and clinical evidence are not sufficient to establish a definitive association between this variant and the reported condition. Therefore, this variant is classified as a variant of uncertain significance.

NM_000142.5(FGFR3):c.2275-3_2275-1del

Gene: FGFR3 (fibroblast growth factor receptor 3; plus strand). Cytogenetic location: 4p16.3.
Variant type: Microsatellite.
Coding change: c.2275-3_2275-1del on transcript NM_000142.5 (MANE Select); 3 bases into the intron before coding-DNA position 2275 through the canonical splice acceptor site of the intron before coding-DNA position 2275, 3 bases deleted (CAG; older notation c.2275-3_2275-1delCAG).
Molecular consequence: splice acceptor variant.
Genome position (GRCh38, 1-based): chr4:1,807,113-1,807,115, CAG deleted; deleting any 3 consecutive bases within chr4:1,807,110-1,807,115 gives the same sequence; the c. name uses the placement nearest the transcript's 3' end. VCF-style (leftmost placement, unchanged base first): chr4-1807109-CCAG-C. GRCh37 (hg19) VCF-style: chr4-1808836-CCAG-C.
Other names: c.2281-3_2281-1del (NM_001163213.2); c.2278-3_2278-1del (NM_001354809.2); c.2207-3_2207-1del (NM_001354810.2); c.1939-3_1939-1del (NM_022965.4).
Identifiers: ClinVar variation 4886299 (VCV004886299.2).
Genomic context (GRCh38, chr4:1,807,109, plus strand): 5'-GGGCACAGAGGTGGCTGTGCGAAGAGGGGCTCGGTGGCACAGCGCTCACCCCGCCTCCCG[CCAG>C]CAGGAGTACCTGGACCTGTCGGCGCCTTTCGAGCAGTACTCCCCGGGTGGCCAGGACACC-3'